The following is an entry in ClinVar:

NM_014314.4(RIGI):c.1769T>G (p.Phe590Cys)

Gene: RIGI (RNA sensor RIG-I; minus strand). Cytogenetic location: 9p21.1.
Variant type: single nucleotide variant.
Coding change: c.1769T>G on transcript NM_014314.4 (MANE Select); coding-DNA position 1769, T replaced by G.
Protein change: p.Phe590Cys; replaces phenylalanine 590 with cysteine.
Molecular consequence: missense variant.
Genome position (GRCh38, 1-based): chr9:32,480,224, A>C on the plus strand (T>G on the coding strand, the complement: RIGI is on the minus strand). VCF-style: chr9-32480224-A-C. GRCh37 (hg19) VCF-style: chr9-32480222-A-C.
Other names: c.1763T>G, p.Phe588Cys (NM_001385907.1); c.1769T>G, p.Phe590Cys (NM_001385909.1); c.1328T>G, p.Phe443Cys (NM_001385910.1); c.1160T>G, p.Phe387Cys (NM_001385912.1); c.1754T>G, p.Phe585Cys (NM_001385913.1); c.1325T>G, p.Phe442Cys (NM_001385914.1); short protein forms F442C, F387C, F590C, F585C, F588C, F443C.
Identifiers: ClinVar variation 1404430 (VCV001404430.7), dbSNP rs143007332, ClinGen allele CA5019698.

ClinVar aggregate classification (germline): Conflicting classifications of pathogenicity. Review status: criteria provided, conflicting classifications (1 of 4 stars). 2 submissions from 2 submitters: Uncertain significance (1); Likely benign (1). Last evaluated 2025-12-30.

Allele frequency attached by ClinVar (database versions not stated): gnomAD 0.00003 and 0.00004; TOPMed 0.00004; gnomAD exomes 0.00006 and 0.00011; ExAC 0.00007; ESP Exome Variant Server 0.00031.
gnomAD v4.1: 156 of 1,595,016 alleles (0.0098%); highest among the groups gnomAD compares: Non-Finnish European, 0.013%; no homozygotes.

Submissions (2):

Labcorp Genetics (formerly Invitae), Labcorp
Classification: Uncertain significance. Last evaluated: 2025-12-30. Review status: criteria provided, single submitter. Criteria: Invitae Variant Classification Sherloc (09022015). Collection method: clinical testing. Allele origin: germline.
Comment: This sequence change replaces phenylalanine, which is neutral and non-polar, with cysteine, which is neutral and slightly polar, at codon 590 of the DDX58 protein (p.Phe590Cys). This variant is present in population databases (rs143007332, gnomAD 0.01%). This variant has not been reported in the literature in individuals affected with DDX58-related conditions. ClinVar contains an entry for this variant (Variation ID: 1404430). Invitae Evidence Modeling of protein sequence and biophysical properties (such as structural, functional, and spatial information, amino acid conservation, physicochemical variation, residue mobility, and thermodynamic stability) indicates that this missense variant is expected to disrupt DDX58 protein function with a positive predictive value of 80%. In summary, the available evidence is currently insufficient to determine the role of this variant in disease. Therefore, it has been classified as a Variant of Uncertain Significance.

Blueprint Genetics
Classification: Likely benign. Last evaluated: 2024-11-27. Review status: criteria provided, single submitter. Criteria: ACMG Guidelines, 2015. Collection method: clinical testing. Allele origin: germline.